The following is an entry in ClinVar:

NM_000059.4(BRCA2):c.6158_6159insG (p.Ala2054fs)

Gene: BRCA2 (BRCA2 DNA repair associated; plus strand). Cytogenetic location: 13q13.1.
Variant type: Insertion.
Coding change: c.6158_6159insG on transcript NM_000059.4 (MANE Select); coding-DNA positions 6158 to 6159, G inserted.
Protein change: p.Ala2054fs; shifts the reading frame from alanine 2054.
Molecular consequence: frameshift variant. On other transcripts: non-coding transcript variant (1), intron variant (2).
Genome position: GRCh38 VCF-style: chr13-32340513-C-CG. GRCh37 (hg19) VCF-style: chr13-32914650-C-CG.
Other names: c.6158_6159insG, p.Ala2054fs (NM_001406719.1, NM_001406720.1, NM_001432077.1); c.1910-4045_1910-4044insG (NM_001406721.1); c.425-4045_425-4044insG (NM_001406722.1); short protein forms A2054fs.
Identifiers: ClinVar variation 4724429 (VCV004724429.1).

ClinVar aggregate classification (germline): Pathogenic (1 of 4 stars; one submission).

Conditions:
Hereditary breast ovarian cancer syndrome. Also called: Hereditary breast and ovarian cancer syndrome; Hereditary breast and ovarian cancer syndrome (HBOC); Breast and ovarian cancer; BRCA1- and BRCA2-Associated Hereditary Breast and Ovarian Cancer; Hereditary breast and/or ovarian cancer syndrome; Hereditary breast and ovarian cancer. Identifiers: Orphanet 145, MedGen C0677776, MeSH D061325, MONDO:0003582. Disease mechanism: loss of function.

Submission:

Labcorp Genetics (formerly Invitae), Labcorp
Classification: Pathogenic for Hereditary breast ovarian cancer syndrome. Last evaluated: 2025-12-30. Review status: criteria provided, single submitter. Criteria: Invitae Variant Classification Sherloc (09022015). Collection method: clinical testing. Allele origin: germline.
Comment: This sequence change creates a premature translational stop signal (p.Ala2054Cysfs*6) in the BRCA2 gene. It is expected to result in an absent or disrupted protein product. Loss-of-function variants in BRCA2 are known to be pathogenic (PMID: 20104584). This variant is not present in population databases (gnomAD no frequency). This variant has not been reported in the literature in individuals affected with BRCA2-related conditions. For these reasons, this variant has been classified as Pathogenic.

Literature cited by the submitters: PubMed 20104584.